The following is an entry in ClinVar:

NM_198586.3(NHLRC1):c.836T>C (p.Leu279Pro)

Gene: NHLRC1 (NHL repeat containing E3 ubiquitin protein ligase 1; minus strand). Cytogenetic location: 6p22.3.
Variant type: single nucleotide variant.
Coding change: c.836T>C on transcript NM_198586.3 (MANE Select); coding-DNA position 836, T replaced by C.
Protein change: p.Leu279Pro; replaces leucine 279 with proline.
Molecular consequence: missense variant.
Genome position (GRCh38, 1-based): chr6:18,121,771, A>G on the plus strand (T>C on the coding strand, the complement: NHLRC1 is on the minus strand). VCF-style: chr6-18121771-A-G. GRCh37 (hg19) VCF-style: chr6-18122002-A-G.
Other names: short protein forms L279P.
Identifiers: ClinVar variation 3338809 (VCV003338809.1).

ClinVar aggregate classification (germline): Likely pathogenic (1 of 4 stars; one submission).

Submission:

GeneDx
Classification: Likely pathogenic. Last evaluated: 2023-12-15. Review status: criteria provided, single submitter. Criteria: GeneDx Variant Classification Process June 2021. Collection method: clinical testing. Allele origin: germline. Affected: yes.
Comment: Published functional studies demonstrate a damaging effect and show that this variant has a significant effect on subcellular localization as a result of protein misfolding (PMID: 18311786); In silico analysis supports that this missense variant does not alter protein structure/function; Not observed at significant frequency in large population cohorts (gnomAD); This variant is associated with the following publications: (PMID: 20858601, 21742036, 23408434, 18311786)